The following is an entry in ClinVar:

NM_001394531.1(WDFY4):c.1705G>C (p.Gly569Arg)

Gene: WDFY4 (WDFY family member 4; plus strand). Cytogenetic location: 10q11.23.
Variant type: single nucleotide variant.
Coding change: c.1705G>C on transcript NM_001394531.1 (MANE Select); coding-DNA position 1705, G replaced by C.
Protein change: p.Gly569Arg; replaces glycine 569 with arginine.
Molecular consequence: missense variant.
Genome position (GRCh38, 1-based): chr10:48,735,897, G>C. VCF-style: chr10-48735897-G-C. GRCh37 (hg19) VCF-style: chr10-49943942-G-C.
Other names: c.1705G>C, p.Gly569Arg (NM_001370153.1, NM_001370154.1, NM_020945.2); short protein forms G569R.
Identifiers: ClinVar variation 4882507 (VCV004882507.2).

ClinVar aggregate classification (germline): Uncertain significance (1 of 4 stars; one submission).

Submission:

Dasa
Classification: Uncertain significance. Last evaluated: 2026-03-23. Review status: criteria provided, single submitter. Criteria: DASA Assertion Criteria. Collection method: clinical testing. Allele origin: germline.
Comment: NM_001394531.1(WDFY4):c.1705G>C (p.Gly569Arg) is a missense variant that results in the substitution of glycine with arginine. This variant is rare in population databases. Computational prediction algorithms are consistent with a deleterious effect. The currently available literature and clinical evidence are not sufficient to establish a definitive association between this variant and the reported condition. Therefore, this variant is classified as a variant of uncertain significance.